The following is an entry in ClinVar:

NM_005334.3(HCFC1):c.1023C>T (p.Asp341=)

Gene: HCFC1 (host cell factor C1; minus strand). Cytogenetic location: Xq28.
Variant type: single nucleotide variant.
Coding change: c.1023C>T on transcript NM_005334.3 (MANE Select); coding-DNA position 1023, C replaced by T.
Protein change: p.Asp341=; no amino-acid change (aspartic acid 341 retained).
Molecular consequence: synonymous variant.
Genome position (GRCh38, 1-based): chrX:153,960,296, G>A on the plus strand (C>T on the coding strand, the complement: HCFC1 is on the minus strand). VCF-style: chrX-153960296-G-A. GRCh37 (hg19) VCF-style: chrX-153225747-G-A.
Other names: c.1023C>T, p.Asp341= (NM_001410705.1).
Identifiers: ClinVar variation 2068665 (VCV002068665.5), dbSNP rs781839670, ClinGen allele CA10557567.
Genomic context (GRCh38, chrX:153,960,296, plus strand): 5'-TGTCTCTAGGTACCAGAGGTCCTTGCAGCAGACCTGGTTGTTCCAGGCCTTGCGGTAGCC[G>A]TCACGCCCACTCCAAATGTACAGGCGGGTGTTGATGGCGACTGCGCAGTGGCCAGCCCGA-3'
Protein context (NP_005325.2, residues 331-351): NTRLYIWSGR[Asp341=]GYRKAWNNQV

ClinVar aggregate classification (germline): Likely benign. Review status: criteria provided, multiple submitters, no conflicts (2 of 4 stars). 2 submissions from 2 submitters: Likely benign (2). Last evaluated 2024-01-30.

Conditions:
Methylmalonic acidemia with homocystinuria, type cblX (MAHCX). Also called: INTELLECTUAL DEVELOPMENTAL DISORDER, X-LINKED 3. Identifiers: Orphanet 369962, MedGen C0796208, MONDO:0010657, OMIM 309541.

Allele frequency attached by ClinVar (database versions not stated): ExAC 0.00002; gnomAD 0.00005; TOPMed 0.00005; gnomAD exomes 0.00002.
gnomAD v4.1: 30 of 1,201,161 alleles (0.0025%); highest among the groups gnomAD compares: African/African-American, 0.018%; no homozygotes.

Submissions (2):

Women's Health and Genetics/Laboratory Corporation of America, LabCorp
Classification: Likely benign. Last evaluated: 2024-01-30. Review status: criteria provided, single submitter. Criteria: LabCorp Variant Classification Summary - May 2015. Collection method: clinical testing. Allele origin: germline.
Comment: Variant summary: HCFC1 c.1023C>T alters a conserved nucleotide resulting in a synonymous change. The variant allele was found at a frequency of 2.5e-05 in 1196119 control chromosomes, including 14 hemizygotes (gnomAD v4). This frequency is not significantly higher than estimated for a pathogenic variant in HCFC1 causing Methylmalonic Acidemia With Homocystinuria (2.5e-05 vs 0.00035), allowing no conclusion about variant significance. To our knowledge, no occurrence of c.1023C>T in individuals affected with Methylmalonic Acidemia With Homocystinuria and no experimental evidence demonstrating its impact on protein function have been reported. ClinVar contains an entry for this variant (Variation ID: 2068665). Based on the evidence outlined above, the variant was classified as likely benign.

Labcorp Genetics (formerly Invitae), Labcorp
Classification: Likely benign for Methylmalonic acidemia with homocystinuria, type cblX. Last evaluated: 2023-12-13. Review status: criteria provided, single submitter. Criteria: Invitae Variant Classification Sherloc (09022015). Collection method: clinical testing. Allele origin: germline.